The following is an entry in ClinVar:

ClinVar aggregate classification (germline): Conflicting classifications of pathogenicity. Review status: criteria provided, conflicting classifications (1 of 4 stars). 9 submissions from 9 submitters: Pathogenic (1); Benign (8). Last evaluated 2026-03-03.

Conditions:
Cystinuria (CSNU). Also called: Cystinuria, non-type I; CYSTINURIA, TYPE I; CYSTINURIA, TYPE II; CYSTINURIA, TYPE III. Identifiers: Orphanet 214, MedGen C0010691, MONDO:0009067, OMIM 220100, HP:0003131.

Allele frequency attached by ClinVar (database versions not stated): 1000 Genomes Project 30x 0.45425; 1000 Genomes Project 0.46086; TOPMed 0.51593; ESP Exome Variant Server 0.54490.
gnomAD v4.1: 1,045,676 of 1,613,640 alleles (65%); highest among the groups gnomAD compares: Non-Finnish European, 69%; 349,250 homozygotes.

Submissions (9):

Women's Health and Genetics/Laboratory Corporation of America, LabCorp
Classification: Benign. Last evaluated: 2026-03-03. Review status: criteria provided, single submitter. Criteria: LabCorp Variant Classification Summary - May 2015. Collection method: clinical testing. Allele origin: germline.
Comment: Variant summary: SLC3A1 c.1854G>A (p.Met618Ile) results in a conservative amino acid change in the encoded protein sequence. Algorithms developed to predict the effect of missense changes on protein structure and function all suggest that this variant is likely to be tolerated. The variant allele was found at a frequency of 0.59 in 249352 control chromosomes, predominantly at a frequency of 0.68 within the Non-Finnish European subpopulation in the gnomAD database, including 26187 homozygotes. The observed variant frequency within Non-Finnish European control individuals in the gnomAD database exceeds the estimated maximal expected allele frequency for disease-causing variants in SLC3A1. To our knowledge, no occurrence of c.1854G>A in individuals affected with SLC3A1-related conditions and no experimental evidence demonstrating its impact on protein function have been reported. ClinVar contains an entry for this variant (Variation ID: 336214). Based on the evidence outlined above, the variant was classified as benign.

Labcorp Genetics (formerly Invitae), Labcorp
Classification: Benign for Cystinuria. Last evaluated: 2026-02-04. Review status: criteria provided, single submitter. Criteria: Invitae Variant Classification Sherloc (09022015). Collection method: clinical testing. Allele origin: germline.

Blueprint Genetics
Classification: Benign. Last evaluated: 2024-11-26. Review status: criteria provided, single submitter. Criteria: ACMG Guidelines, 2015. Collection method: clinical testing. Allele origin: germline.

Biotechnology Lab, University of Central Punjab
Classification: Pathogenic for Cystinuria. Last evaluated: 2023-02-10. Review status: criteria provided, single submitter. Criteria: ACMG Guidelines, 2015. Collection method: research. Allele origin: inherited. Inheritance: Autosomal recessive inheritance. Affected: yes. Observed: 68 variant alleles.
Comment: A molecular and computational study performed on the Pakistani population reported this missense variant (M618I) in the SLC3A1 gene, as a pathogenic variant, by using the technique of Next-generation sequencing. The variant was potentially involved in causing Cystinuria by altering the structural and functional effect of the rBAT protein coded by the SLC3A1 gene. The variant was confirmed by ARMS-PCR at the population level (Zafar & Awais, 2023).

Mayo Clinic Laboratories, Mayo Clinic
Classification: Benign. Last evaluated: 2022-03-09. Review status: criteria provided, single submitter. Criteria: ACMG Guidelines, 2015. Collection method: clinical testing. Allele origin: germline. Observed: 167 variant alleles.

Genome-Nilou Lab
Classification: Benign for Cystinuria. Last evaluated: 2021-07-15. Review status: criteria provided, single submitter. Criteria: ACMG Guidelines, 2015. Collection method: clinical testing. Allele origin: germline. Affected: no.

GeneDx
Classification: Benign. Last evaluated: 2020-01-18. Review status: criteria provided, single submitter. Criteria: GeneDx Variant Classification Process June 2021. Collection method: clinical testing. Allele origin: germline. Affected: yes.

Illumina Laboratory Services, Illumina
Classification: Benign for Cystinuria. Last evaluated: 2018-01-13. Review status: criteria provided, single submitter. Criteria: ICSL Variant Classification Criteria 13 December 2019. Collection method: clinical testing. Allele origin: germline.
Comment: This variant was observed in the ICSL laboratory as part of a predisposition screen in an ostensibly healthy population. It had not been previously curated by ICSL or reported in the Human Gene Mutation Database (HGMD: prior to June 1st, 2018), and was therefore a candidate for classification through an automated scoring system. Utilizing variant allele frequency, disease prevalence and penetrance estimates, and inheritance mode, an automated score was calculated to assess if this variant is too frequent to cause the disease. Based on the score and internal cut-off values, a variant classified as benign is not then subjected to further curation. The score for this variant resulted in a classification of benign for this disease.

Breakthrough Genomics
Classification: Benign. Review status: criteria provided, single submitter. Criteria: ACMG Guidelines, 2015. Collection method: not provided. Allele origin: germline. Inheritance: Autosomal dominant inheritance. Affected: yes.

Literature cited by the submitters: PubMed 37716586 (cited by Biotechnology Lab, University of Central Punjab).

NM_000341.4(SLC3A1):c.1854G>A (p.Met618Ile)

Genes: PREPL (prolyl endopeptidase like; minus strand), SLC3A1 (solute carrier family 3 member 1; plus strand). Cytogenetic location: 2p21.
Variant type: single nucleotide variant.
Coding change: c.1854G>A on transcript NM_000341.4 (MANE Select); coding-DNA position 1854, G replaced by A.
Protein change: p.Met618Ile; replaces methionine 618 with isoleucine.
Molecular consequence: missense variant. On other transcripts: 3 prime UTR variant (10).
Genome position (GRCh38, 1-based): chr2:44,320,435, G>A. VCF-style: chr2-44320435-G-A. GRCh37 (hg19) VCF-style: chr2-44547574-G-A.
Other names: c.*921C>T (NM_001042385.2, NM_001042386.2, NM_001171603.1 and 7 more transcripts); short protein forms M618I.
Identifiers: ClinVar variation 336214 (VCV000336214.22), dbSNP rs698761, ClinGen allele CA1640778.